The following is an entry in ClinVar:

ClinVar aggregate classification (germline): Conflicting classifications of pathogenicity. Review status: criteria provided, conflicting classifications (1 of 4 stars). 12 submissions from 12 submitters: Uncertain significance (1); Benign (3); Likely benign (3). 5 of the submissions do not count toward it. Last evaluated 2024-11-27.

Conditions:
Cardiomyopathy (CMYO). Also called: Cardiomyopathies. Identifiers: Orphanet 167848, MedGen C0878544, MONDO:0004994, HP:0001638. Inheritance: Various modes of inheritance.
Dilated cardiomyopathy 1O (CMD1O). Also called: CARDIOMYOPATHY, DILATED, WITH VENTRICULAR TACHYCARDIA. Identifiers: Orphanet 154, MedGen C1837839, MONDO:0012062, OMIM 608569.

Submissions (12):

Blueprint Genetics
Classification: Likely benign. Last evaluated: 2024-11-27. Review status: criteria provided, single submitter. Criteria: ACMG Guidelines, 2015. Collection method: clinical testing. Allele origin: germline.

Mayo Clinic Laboratories, Mayo Clinic
Classification: Benign. Last evaluated: 2022-06-15. Review status: criteria provided, single submitter. Criteria: ACMG Guidelines, 2015. Collection method: clinical testing. Allele origin: germline. Observed: 65 variant alleles.
Comment: BA1

Labcorp Genetics (formerly Invitae), Labcorp
Classification: Benign for Dilated cardiomyopathy 1O. Last evaluated: 2019-12-31. Review status: criteria provided, single submitter. Criteria: Invitae Variant Classification Sherloc (09022015). Collection method: clinical testing. Allele origin: germline.

GeneDx
Classification: Likely benign. Last evaluated: 2019-08-11. Review status: criteria provided, single submitter. Criteria: GeneDx Variant Classification Process June 2021. Collection method: clinical testing. Allele origin: germline. Affected: yes.

CHEO Genetics Diagnostic Laboratory, Children's Hospital of Eastern Ontario
Classification: Benign for Cardiomyopathy. Last evaluated: 2019-03-19. Review status: criteria provided, single submitter. Criteria: ACMG Guidelines, 2015. Collection method: clinical testing. Allele origin: germline.

Eurofins Ntd Llc (ga)
Classification: Uncertain significance. Last evaluated: 2014-09-03. Review status: criteria provided, single submitter. Criteria: EGL Classification Definitions. Collection method: clinical testing. Allele origin: germline. Observed: 1 variant allele, 1 heterozygote.

Laboratory for Molecular Medicine, Mass General Brigham Personalized Medicine
Classification: Likely benign. Last evaluated: 2012-07-24. Review status: criteria provided, single submitter. Criteria: LMM Criteria. Collection method: clinical testing. Allele origin: germline. Observed: 14 variant alleles.
Comment: 1165-6_1165-5insT in intron 07 of ABCC9: This variant is not expected to have cl inical significance because it is located outside the conserved +/- 1, 2 region of the splicing consensus sequence and as part of a poly T stretch.

Clinical Genetics DNA and cytogenetics Diagnostics Lab, Erasmus MC, Erasmus Medical Center
Classification: Benign. Review status: no assertion criteria provided. Collection method: clinical testing. Allele origin: germline. Affected: yes. Study: VKGL Data-share Consensus. Not counted in ClinVar's aggregate classification.

Diagnostic Laboratory, Department of Genetics, University Medical Center Groningen
Classification: Benign. Review status: no assertion criteria provided. Collection method: clinical testing. Allele origin: germline. Affected: yes. Study: VKGL Data-share Consensus. Not counted in ClinVar's aggregate classification.

Genome Diagnostics Laboratory, University Medical Center Utrecht
Classification: Benign. Review status: no assertion criteria provided. Collection method: clinical testing. Allele origin: germline. Affected: yes. Study: VKGL Data-share Consensus. Not counted in ClinVar's aggregate classification.

Joint Genome Diagnostic Labs from Nijmegen and Maastricht, Radboudumc and MUMC+
Classification: Benign. Review status: no assertion criteria provided. Collection method: clinical testing. Allele origin: germline. Affected: yes. Study: VKGL Data-share Consensus. Not counted in ClinVar's aggregate classification.

Laboratory of Diagnostic Genome Analysis, Leiden University Medical Center (LUMC)
Classification: Likely benign. Review status: no assertion criteria provided. Collection method: clinical testing. Allele origin: germline. Affected: yes. Study: VKGL Data-share Consensus. Not counted in ClinVar's aggregate classification.

NM_020297.4(ABCC9):c.1165-6dup

Gene: ABCC9 (ATP binding cassette subfamily C member 9; minus strand). Cytogenetic location: 12p12.1.
Variant type: Duplication.
Coding change: c.1165-6dup on transcript NM_020297.4 (MANE Select); 6 bases into the intron before coding-DNA position 1165, one base duplicated (T; older notation c.1165-6dupT).
Molecular consequence: intron variant.
Genome position (GRCh38, 1-based): chr12:21,910,318, A duplicated on the plus strand (T on the coding strand, the reverse complement: ABCC9 is on the minus strand); the first of 14 consecutive A bases (chr12:21,910,318-21,910,331); duplicating any one gives the same sequence. VCF-style (leftmost placement, unchanged base first): chr12-21910317-C-CA. GRCh37 (hg19) VCF-style: chr12-22063251-C-CA.
Other names: p.?; c.301-6dup (NM_001377274.1); c.1165-6dup (NM_005691.4, NM_001377273.1, NM_005691.3); c.1165-6dupT (NM_005691.3, NM_005691.2).
Identifiers: ClinVar variation 45385 (VCV000045385.30), dbSNP rs35857705, ClinGen allele CA136204.